The following is an entry in ClinVar:

ClinVar aggregate classification (germline): Uncertain significance (1 of 4 stars; one submission).

Conditions:
Inborn genetic diseases. Identifiers: MedGen C0950123, MeSH D030342.

Submission:

Ambry Genetics
Classification: Uncertain significance for Inborn genetic diseases. Last evaluated: 2020-03-20. Review status: criteria provided, single submitter. Criteria: Ambry Variant Classification Scheme 2023. Collection method: clinical testing. Allele origin: germline.
Comment: The p.P873R variant (also known as c.2618C>G), located in coding exon 14 of the IGHMBP2 gene, results from a C to G substitution at nucleotide position 2618. The proline at codon 873 is replaced by arginine, an amino acid with dissimilar properties. This amino acid position is poorly conserved in available vertebrate species. In addition, this alteration is predicted to be tolerated by in silico analysis. Since supporting evidence is limited at this time, the clinical significance of this alteration remains unclear.

NM_002180.3(IGHMBP2):c.2618C>G (p.Pro873Arg)

Gene: IGHMBP2 (immunoglobulin mu DNA binding protein 2; plus strand). Cytogenetic location: 11q13.3.
Variant type: single nucleotide variant.
Coding change: c.2618C>G on transcript NM_002180.3 (MANE Select); coding-DNA position 2618, C replaced by G.
Protein change: p.Pro873Arg; replaces proline 873 with arginine.
Molecular consequence: missense variant.
Genome position (GRCh38, 1-based): chr11:68,938,188, C>G. VCF-style: chr11-68938188-C-G. GRCh37 (hg19) VCF-style: chr11-68705656-C-G.
Other names: short protein forms P873R.
Identifiers: ClinVar variation 1793881 (VCV001793881.2), dbSNP rs141903179, ClinGen allele CA381654214.
Genomic context (GRCh38, chr11:68,938,188, plus strand): 5'-TGAGGGGCCAGGTGTTGTCTTTCCGTTTGCCTGAGTGACGCGGGTCTTCTCCAGGACATC[C>G]GGCCACAGATCTGCCCACGGAGGAGGACTTTGAGGCCCTGGTTTCTGCCGCCGTTAAGGC-3'
Protein context (NP_002171.2, residues 863-883): EKKKKKAKGH[Pro873Arg]ATDLPTEEDF